The following is an entry in ClinVar:

ClinVar aggregate classification (germline): Uncertain significance (1 of 4 stars; one submission).

gnomAD v4.1: 6 of 1,614,020 alleles (0.00037%); highest among the groups gnomAD compares: Non-Finnish European, 0.00051%; no homozygotes.

Submission:

Ambry Genetics
Classification: Uncertain significance. Last evaluated: 2023-07-21. Review status: criteria provided, single submitter. Criteria: Ambry Variant Classification Scheme 2023. Collection method: clinical testing. Allele origin: germline.
Comment: The p.M381R variant (also known as c.1142T>G), located in coding exon 3 of the ALPK2 gene, results from a T to G substitution at nucleotide position 1142. The methionine at codon 381 is replaced by arginine, an amino acid with similar properties. This amino acid position is conserved. In addition, this alteration is predicted to be tolerated by in silico analysis. Since supporting evidence is limited at this time, the clinical significance of this alteration remains unclear.

NM_052947.4(ALPK2):c.1142T>G (p.Met381Arg)

Genes: ALPK2 (alpha kinase 2; minus strand), LOC114803473 (ALPK2 eExon liver enhancer; plus strand). Cytogenetic location: 18q21.31.
Variant type: single nucleotide variant.
Coding change: c.1142T>G on transcript NM_052947.4 (MANE Select); coding-DNA position 1142, T replaced by G.
Protein change: p.Met381Arg; replaces methionine 381 with arginine.
Molecular consequence: missense variant.
Genome position (GRCh38, 1-based): chr18:58,579,634, A>C on the plus strand (T>G on the coding strand, the complement: ALPK2 is on the minus strand). VCF-style: chr18-58579634-A-C. GRCh37 (hg19) VCF-style: chr18-56246866-A-C.
Other names: short protein forms M381R.
Identifiers: ClinVar variation 2624509 (VCV002624509.2), dbSNP rs201536117, ClinGen allele CA402564528.
Genomic context (GRCh38, chr18:58,579,634, plus strand): 5'-CAGAAGCCAGCAGTGGCAACCATAGGCCCAGCGTCACCCGACACCCGAGACCCACAACCC[A>C]TTCCACTGAGGAAATGCTCACACCCACCCAGGCAATGCTCACCGAATTCCATCTCTTCGT-3'
Protein context (NP_443179.3, residues 371-391): LGGCEHFLSG[Met381Arg]GCGSRVSGDA